The following is an entry in ClinVar:

ClinVar aggregate classification (germline): Benign. Review status: criteria provided, multiple submitters, no conflicts (2 of 4 stars). 2 submissions from 2 submitters: Benign (2). Last evaluated 2024-07-15.

Submissions (2):

Unidad de Genómica Garrahan, Hospital de Pediatría Garrahan
Classification: Benign. Last evaluated: 2024-07-15. Review status: criteria provided, single submitter. Criteria: ACMG Guidelines, 2015. Collection method: clinical testing. Allele origin: germline. Affected: no. Observed: 70 variant alleles.
Comment: This variant is classified as Benign based on local population frequency. This variant was detected in 75% of patients studied in a panel designed for Epileptic and Developmental Encephalopathy and Progressive Myoclonus Epilepsy. Number of patients: 70. Only high quality variants are reported.

GeneDx
Classification: Benign. Last evaluated: 2019-08-20. Review status: criteria provided, single submitter. Criteria: GeneDx Variant Classification Process June 2021. Collection method: clinical testing. Allele origin: germline. Affected: yes.

NM_012301.4(MAGI2):c.966-66_966-65dup

Gene: MAGI2 (membrane associated guanylate kinase, WW and PDZ domain containing 2; minus strand). Cytogenetic location: 7q21.11.
Variant type: Duplication.
Coding change: c.966-66_966-65dup on transcript NM_012301.4 (MANE Select); 66 bases into the intron before coding-DNA position 966 through 65 bases into the intron before coding-DNA position 966, 2 bases duplicated (TT; older notation c.966-66_966-65dupTT).
Molecular consequence: intron variant.
Genome position (GRCh38, 1-based): chr7:78,489,905-78,489,906, AA duplicated on the plus strand (TT on the coding strand, the reverse complement: MAGI2 is on the minus strand); duplicating any 2 consecutive bases within chr7:78,489,905-78,489,913 gives the same sequence; the c. name uses the placement nearest the transcript's 3' end. VCF-style (leftmost placement, unchanged base first): chr7-78489904-G-GAA. GRCh37 (hg19) VCF-style: chr7-78119221-G-GAA.
Other names: c.966-66_966-65dup (NM_001301128.2).
Identifiers: ClinVar variation 1279287 (VCV001279287.3), dbSNP rs3086374, ClinGen allele CA161246153.